The following is an entry in ClinVar:

ClinVar aggregate classification (germline): Uncertain significance (1 of 4 stars; one submission).

Conditions:
Inborn genetic diseases. Identifiers: MedGen C0950123, MeSH D030342.

Submission:

Ambry Genetics
Classification: Uncertain significance for Inborn genetic diseases. Last evaluated: 2026-02-16. Review status: criteria provided, single submitter. Criteria: Ambry Variant Classification Scheme 2023. Collection method: clinical testing. Allele origin: germline.
Comment: The p.M1362V variant (also known as c.4084A>G), located in coding exon 1 of the SAMD9 gene, results from an A to G substitution at nucleotide position 4084. The methionine at codon 1362 is replaced by valine, an amino acid with highly similar properties. This amino acid position is conserved. In addition, this alteration is predicted to be tolerated by in silico analysis. Based on the available evidence, the clinical significance of this variant remains unclear.

NM_017654.4(SAMD9):c.4084A>G (p.Met1362Val)

Gene: SAMD9 (sterile alpha motif domain containing 9; minus strand). Cytogenetic location: 7q21.2.
Variant type: single nucleotide variant.
Coding change: c.4084A>G on transcript NM_017654.4 (MANE Select); coding-DNA position 4084, A replaced by G.
Protein change: p.Met1362Val; replaces methionine 1362 with valine.
Molecular consequence: missense variant.
Genome position (GRCh38, 1-based): chr7:93,102,014, T>C on the plus strand (A>G on the coding strand, the complement: SAMD9 is on the minus strand). VCF-style: chr7-93102014-T-C. GRCh37 (hg19) VCF-style: chr7-92731327-T-C.
Other names: c.4084A>G, p.Met1362Val (NM_001193307.2); short protein forms M1362V.
Identifiers: ClinVar variation 4824705 (VCV004824705.1).